The following is an entry in ClinVar:

ClinVar aggregate classification (germline): Uncertain significance (1 of 4 stars; one submission).

Submission:

Labcorp Genetics (formerly Invitae), Labcorp
Classification: Uncertain significance. Last evaluated: 2022-05-15. Review status: criteria provided, single submitter. Criteria: Invitae Variant Classification Sherloc (09022015). Collection method: clinical testing. Allele origin: germline.
Comment: This sequence change replaces alanine, which is neutral and non-polar, with valine, which is neutral and non-polar, at codon 198 of the HOXB13 protein (p.Ala198Val). This variant is not present in population databases (gnomAD no frequency). This variant has not been reported in the literature in individuals affected with HOXB13-related conditions. Algorithms developed to predict the effect of missense changes on protein structure and function are either unavailable or do not agree on the potential impact of this missense change (SIFT: "Deleterious"; PolyPhen-2: "Benign"; Align-GVGD: "Class C0"). In summary, the available evidence is currently insufficient to determine the role of this variant in disease. Therefore, it has been classified as a Variant of Uncertain Significance.

NM_006361.6(HOXB13):c.593C>T (p.Ala198Val)

Gene: HOXB13 (homeobox B13; minus strand). Cytogenetic location: 17q21.32.
Variant type: single nucleotide variant.
Coding change: c.593C>T on transcript NM_006361.6 (MANE Select); coding-DNA position 593, C replaced by T.
Protein change: p.Ala198Val; replaces alanine 198 with valine.
Molecular consequence: missense variant.
Genome position (GRCh38, 1-based): chr17:48,728,001, G>A on the plus strand (C>T on the coding strand, the complement: HOXB13 is on the minus strand). VCF-style: chr17-48728001-G-A. GRCh37 (hg19) VCF-style: chr17-46805363-G-A.
Other names: short protein forms A198V.
Identifiers: ClinVar variation 2129177 (VCV002129177.4), dbSNP rs2143070659, ClinGen allele CA400107109.